The following is an entry in ClinVar:

NM_000744.7(CHRNA4):c.1447C>T (p.Arg483Trp)

Gene: CHRNA4 (cholinergic receptor nicotinic alpha 4 subunit; minus strand). Cytogenetic location: 20q13.33.
Variant type: single nucleotide variant.
Coding change: c.1447C>T on transcript NM_000744.7 (MANE Select); coding-DNA position 1447, C replaced by T.
Protein change: p.Arg483Trp; replaces arginine 483 with tryptophan.
Molecular consequence: missense variant. On other transcripts: non-coding transcript variant (1).
Genome position (GRCh38, 1-based): chr20:63,349,964, G>A on the plus strand (C>T on the coding strand, the complement: CHRNA4 is on the minus strand). VCF-style: chr20-63349964-G-A. GRCh37 (hg19) VCF-style: chr20-61981316-G-A.
Other names: c.919C>T, p.Arg307Trp (NM_001256573.2); short protein forms R483W, R307W.
Identifiers: ClinVar variation 657727 (VCV000657727.11), dbSNP rs998924085, ClinGen allele CA317432004.

ClinVar aggregate classification (germline): Uncertain significance. Review status: criteria provided, multiple submitters, no conflicts (2 of 4 stars). 3 submissions from 3 submitters: Uncertain significance (3). Last evaluated 2025-09-25.

Conditions:
Familial sleep-related hypermotor epilepsy. Also called: Autosomal Dominant Sleep-Related Hypermotor (Hyperkinetic) Epilepsy. Identifiers: Orphanet 98784, MedGen C3696898, MONDO:0000030.
Autosomal dominant nocturnal frontal lobe epilepsy 1. Also called: EPILEPSY, NOCTURNAL FRONTAL LOBE, TYPE 1; CHRNA4-Related Nocturnal Frontal Lobe Epilepsy, Autosomal Dominant. Identifiers: Orphanet 98784, MedGen C1838049, MONDO:0010899, OMIM 600513.

Allele frequency attached by ClinVar (database versions not stated): gnomAD 0.00001; TOPMed 0.00003.
gnomAD v4.1: 11 of 1,562,976 alleles (0.0007%); highest among the groups gnomAD compares: South Asian, 0.0023%; no homozygotes.

Submissions (3):

Labcorp Genetics (formerly Invitae), Labcorp
Classification: Uncertain significance. Last evaluated: 2025-09-25. Review status: criteria provided, single submitter. Criteria: Invitae Variant Classification Sherloc (09022015). Collection method: clinical testing. Allele origin: germline.
Comment: This sequence change replaces arginine, which is basic and polar, with tryptophan, which is neutral and slightly polar, at codon 483 of the CHRNA4 protein (p.Arg483Trp). This variant is not present in population databases (gnomAD no frequency). This variant has not been reported in the literature in individuals affected with CHRNA4-related conditions. This missense change has been observed in at least one individual who was not affected with CHRNA4-related conditions (internal data). ClinVar contains an entry for this variant (Variation ID: 657727). Invitae Evidence Modeling of protein sequence and biophysical properties (such as structural, functional, and spatial information, amino acid conservation, physicochemical variation, residue mobility, and thermodynamic stability) has been performed for this missense variant. However, the output from this modeling did not meet the statistical confidence thresholds required to predict the impact of this variant on CHRNA4 protein function. In summary, the available evidence is currently insufficient to determine the role of this variant in disease. Therefore, it has been classified as a Variant of Uncertain Significance.

Revvity Omics, Revvity
Classification: Uncertain significance for Autosomal dominant nocturnal frontal lobe epilepsy 1. Last evaluated: 2023-04-13. Review status: criteria provided, single submitter. Criteria: ACMG Guidelines, 2015. Collection method: clinical testing. Allele origin: germline.

Blueprint Genetics
Classification: Uncertain significance. Last evaluated: 2021-12-07. Review status: criteria provided, single submitter. Criteria: ACMG Guidelines, 2015. Collection method: clinical testing. Allele origin: germline.